The following is an entry in ClinVar:

NM_004560.4(ROR2):c.2460C>T (p.Pro820=)

Gene: ROR2 (ROR family WNT receptor 2; minus strand). Cytogenetic location: 9q22.31.
Variant type: single nucleotide variant.
Coding change: c.2460C>T on transcript NM_004560.4 (MANE Select); coding-DNA position 2460, C replaced by T.
Protein change: p.Pro820=; no amino-acid change (proline 820 retained).
Molecular consequence: synonymous variant.
Genome position (GRCh38, 1-based): chr9:91,724,034, G>A on the plus strand (C>T on the coding strand, the complement: ROR2 is on the minus strand). VCF-style: chr9-91724034-G-A. GRCh37 (hg19) VCF-style: chr9-94486316-G-A.
Identifiers: ClinVar variation 1140113 (VCV001140113.26), dbSNP rs780298605, ClinGen allele CA5120390.

ClinVar aggregate classification (germline): Likely benign. Review status: criteria provided, multiple submitters, no conflicts (2 of 4 stars). 2 submissions from 2 submitters: Likely benign (2). Last evaluated 2025-07-21.

Allele frequency attached by ClinVar (database versions not stated): gnomAD 0.00004; ExAC 0.00006; gnomAD exomes 0.00006; TOPMed 0.00007.
gnomAD v4.1: 252 of 1,612,110 alleles (0.016%); highest among the groups gnomAD compares: Non-Finnish European, 0.02%; no homozygotes.

Submissions (2):

Labcorp Genetics (formerly Invitae), Labcorp
Classification: Likely benign. Last evaluated: 2025-07-21. Review status: criteria provided, single submitter. Criteria: Invitae Variant Classification Sherloc (09022015). Collection method: clinical testing. Allele origin: germline.

CeGaT Center for Human Genetics Tuebingen
Classification: Likely benign. Last evaluated: 2024-07-01. Review status: criteria provided, single submitter. Criteria: CeGaT Center For Human Genetics Tuebingen Variant Classification Criteria Version 2. Collection method: clinical testing. Allele origin: germline. Affected: yes. Observed: 1 variant allele.
Comment: ROR2: BP4, BP7